The following is an entry in ClinVar:

NM_017570.5(OPLAH):c.1832C>T (p.Ala611Val)

Gene: OPLAH (5-oxoprolinase, ATP-hydrolysing; minus strand). Cytogenetic location: 8q24.3.
Variant type: single nucleotide variant.
Coding change: c.1832C>T on transcript NM_017570.5 (MANE Select); coding-DNA position 1832, C replaced by T.
Protein change: p.Ala611Val; replaces alanine 611 with valine.
Molecular consequence: missense variant.
Genome position (GRCh38, 1-based): chr8:144,056,630, G>A on the plus strand (C>T on the coding strand, the complement: OPLAH is on the minus strand). VCF-style: chr8-144056630-G-A. GRCh37 (hg19) VCF-style: chr8-145111533-G-A.
Other names: short protein forms A611V.
Identifiers: ClinVar variation 3669247 (VCV003669247.2).
Genomic context (GRCh38, chr8:144,056,630, plus strand): 5'-AGACAGGAGGGCCCCTTGCCAGGGATCCGGAGTCAGGAAGCCACGTACCGCTCCACAAAG[G>A]CTGCCCCGAAGTCCCCCGCACGGGGCGAGCGGGCTGTGGCTGGGTGCTGGTGGGCAGACA-3'
Protein context (NP_060040.1, residues 601-621): RSPRAGDFGA[Ala611Val]FVERYMREFG

ClinVar aggregate classification (germline): Uncertain significance (1 of 4 stars; one submission).

Conditions:
5-Oxoprolinase deficiency (OPLAHD). Also called: 5-OXOPROLINURIA DUE TO 5-OXOPROLINASE DEFICIENCY. Identifiers: Orphanet 33572, MedGen C0268525, MONDO:0009825, OMIM 260005, HP:0040142.

Submission:

Labcorp Genetics (formerly Invitae), Labcorp
Classification: Uncertain significance for 5-Oxoprolinase deficiency. Last evaluated: 2024-10-07. Review status: criteria provided, single submitter. Criteria: Invitae Variant Classification Sherloc (09022015). Collection method: clinical testing. Allele origin: germline.
Comment: This sequence change replaces alanine, which is neutral and non-polar, with valine, which is neutral and non-polar, at codon 611 of the OPLAH protein (p.Ala611Val). This variant is not present in population databases (gnomAD no frequency). This variant has not been reported in the literature in individuals affected with OPLAH-related conditions. Experimental studies and prediction algorithms are not available or were not evaluated, and the functional significance of this variant is currently unknown. In summary, the available evidence is currently insufficient to determine the role of this variant in disease. Therefore, it has been classified as a Variant of Uncertain Significance.